The following is an entry in ClinVar:

NM_031935.3(HMCN1):c.15449A>G (p.Glu5150Gly)

Gene: HMCN1 (hemicentin 1; plus strand). Cytogenetic location: 1q31.1.
Variant type: single nucleotide variant.
Coding change: c.15449A>G on transcript NM_031935.3 (MANE Select); coding-DNA position 15449, A replaced by G.
Protein change: p.Glu5150Gly; replaces glutamic acid 5150 with glycine.
Molecular consequence: missense variant.
Genome position (GRCh38, 1-based): chr1:186,166,817, A>G. VCF-style: chr1-186166817-A-G. GRCh37 (hg19) VCF-style: chr1-186135949-A-G.
Other names: short protein forms E5150G.
Identifiers: ClinVar variation 2113962 (VCV002113962.4), dbSNP rs778585727, ClinGen allele CA1295266.

ClinVar aggregate classification (germline): Uncertain significance (1 of 4 stars; one submission).

Allele frequency attached by ClinVar (database versions not stated): gnomAD exomes below 0.00001; TOPMed below 0.00001; ExAC 0.00001.
gnomAD v4.1: 5 of 1,614,024 alleles (0.00031%); highest among the groups gnomAD compares: Non-Finnish European, 0.000085%; no homozygotes.

Submission:

Labcorp Genetics (formerly Invitae), Labcorp
Classification: Uncertain significance. Last evaluated: 2024-02-23. Review status: criteria provided, single submitter. Criteria: Invitae Variant Classification Sherloc (09022015). Collection method: clinical testing. Allele origin: germline.
Comment: This sequence change replaces glutamic acid, which is acidic and polar, with glycine, which is neutral and non-polar, at codon 5150 of the HMCN1 protein (p.Glu5150Gly). This variant is not present in population databases (gnomAD no frequency). This variant has not been reported in the literature in individuals affected with HMCN1-related conditions. ClinVar contains an entry for this variant (Variation ID: 2113962). An algorithm developed to predict the effect of missense changes on protein structure and function (PolyPhen-2) suggests that this variant is likely to be disruptive. In summary, the available evidence is currently insufficient to determine the role of this variant in disease. Therefore, it has been classified as a Variant of Uncertain Significance.